The following is an entry in ClinVar:

ClinVar aggregate classification (germline): Likely pathogenic (1 of 4 stars; one submission).

Submission:

Dasa
Classification: Likely pathogenic. Last evaluated: 2025-10-16. Review status: criteria provided, single submitter. Criteria: DASA Assertion Criteria. Collection method: clinical testing. Allele origin: germline.
Comment: NM_173689.7(CRB2):c.2389C>T (p.Gln797*) is a nonsense variant in CRB2 predicted to introduce a premature termination codon and is predicted to result in an absent or altered protein product. Loss of function is an established disease mechanism for CRB2-associated disorders. Also, this variant is absent from population databases. Based on the currently available evidence, this variant is classified as likely pathogenic.

NM_173689.7(CRB2):c.2389C>T (p.Gln797Ter)

Gene: CRB2 (crumbs cell polarity complex component 2; plus strand). Cytogenetic location: 9q33.3.
Variant type: single nucleotide variant.
Coding change: c.2389C>T on transcript NM_173689.7 (MANE Select); coding-DNA position 2389, C replaced by T.
Protein change: p.Gln797Ter; replaces glutamine 797 with a stop codon.
Molecular consequence: nonsense. On other transcripts: non-coding transcript variant (1).
Genome position (GRCh38, 1-based): chr9:123,371,531, C>T. VCF-style: chr9-123371531-C-T. GRCh37 (hg19) VCF-style: chr9-126133810-C-T.
Other names: short protein forms Q797*.
Identifiers: ClinVar variation 4885079 (VCV004885079.2).